The following is an entry in ClinVar:

NM_001378328.1(CELSR1):c.5997C>T (p.Thr1999=)

Gene: CELSR1 (cadherin EGF LAG seven-pass G-type receptor 1; minus strand). Cytogenetic location: 22q13.31.
Variant type: single nucleotide variant.
Coding change: c.5997C>T on transcript NM_001378328.1 (MANE Select); coding-DNA position 5997, C replaced by T.
Protein change: p.Thr1999=; no amino-acid change (threonine 1999 retained).
Molecular consequence: synonymous variant.
Genome position (GRCh38, 1-based): chr22:46,391,784, G>A on the plus strand (C>T on the coding strand, the complement: CELSR1 is on the minus strand). VCF-style: chr22-46391784-G-A. GRCh37 (hg19) VCF-style: chr22-46787681-G-A.
Other names: c.5997C>T, p.Thr1999= (NM_014246.4).
Identifiers: ClinVar variation 3053157 (VCV003053157.2), dbSNP rs368371747, ClinGen allele CA10293987.

ClinVar aggregate classification (germline): Likely benign (0 of 4 stars; one submission).

Conditions:
CELSR1-related disorder. Also called: CELSR1-related condition.

Allele frequency attached by ClinVar (database versions not stated): gnomAD exomes 0.00001; gnomAD 0.00003; TOPMed 0.00004; ExAC 0.00006.
gnomAD v4.1: 60 of 1,612,514 alleles (0.0037%); highest among the groups gnomAD compares: East Asian, 0.033%; no homozygotes.

Submission:

PreventionGenetics, part of Exact Sciences
Classification: Likely benign for CELSR1-related condition. Last evaluated: 2019-08-14. Review status: no assertion criteria provided. Collection method: clinical testing. Allele origin: germline.
Comment: This variant is classified as likely benign based on ACMG/AMP sequence variant interpretation guidelines (Richards et al. 2015 PMID: 25741868, with internal and published modifications).